The following is an entry in ClinVar:

ClinVar aggregate classification (germline): Uncertain significance. Review status: criteria provided, multiple submitters, no conflicts (2 of 4 stars). 3 submissions from 3 submitters: Uncertain significance (3). Last evaluated 2025-11-11.

Allele frequency attached by ClinVar (database versions not stated): ExAC 0.00001; gnomAD 0.00001; gnomAD exomes 0.00001.
gnomAD v4.1: 10 of 1,614,050 alleles (0.00062%); highest among the groups gnomAD compares: Admixed American, 0.0017%; no homozygotes.

Submissions (3):

Women's Health and Genetics/Laboratory Corporation of America, LabCorp
Classification: Uncertain significance. Last evaluated: 2025-11-11. Review status: criteria provided, single submitter. Criteria: LabCorp Variant Classification Summary - May 2015. Collection method: clinical testing. Allele origin: germline.
Comment: Variant summary: KCNC3 c.1153G>A (p.Asp385Asn) results in a conservative amino acid change in the encoded protein sequence. Algorithms developed to predict the effect of missense changes on protein structure and function are either unavailable or do not agree on the potential impact of this missense change. The variant allele was found at a frequency of 8e-06 in 251348 control chromosomes. The available data on variant occurrences in the general population are insufficient to allow any conclusion about variant significance. To our knowledge, no occurrence of c.1153G>A in individuals affected with KCNC3-related conditions and no experimental evidence demonstrating its impact on protein function have been reported. ClinVar contains an entry for this variant (Variation ID: 1806880). Based on the evidence outlined above, the variant was classified as uncertain significance.

Athena Diagnostics
Classification: Uncertain significance. Last evaluated: 2022-08-30. Review status: criteria provided, single submitter. Criteria: Athena Diagnostics Criteria. Collection method: clinical testing. Allele origin: unknown.

Labcorp Genetics (formerly Invitae), Labcorp
Classification: Uncertain significance. Last evaluated: 2022-04-12. Review status: criteria provided, single submitter. Criteria: Invitae Variant Classification Sherloc (09022015). Collection method: clinical testing. Allele origin: germline.
Comment: In summary, the available evidence is currently insufficient to determine the role of this variant in disease. Therefore, it has been classified as a Variant of Uncertain Significance. Advanced modeling of protein sequence and biophysical properties (such as structural, functional, and spatial information, amino acid conservation, physicochemical variation, residue mobility, and thermodynamic stability) performed at Invitae indicates that this missense variant is expected to disrupt KCNC3 protein function. This variant has not been reported in the literature in individuals affected with KCNC3-related conditions. This variant is present in population databases (rs778679027, gnomAD 0.002%). This sequence change replaces aspartic acid, which is acidic and polar, with asparagine, which is neutral and polar, at codon 385 of the KCNC3 protein (p.Asp385Asn).

NM_004977.3(KCNC3):c.1153G>A (p.Asp385Asn)

Gene: KCNC3 (potassium voltage-gated channel subfamily C member 3; minus strand). Cytogenetic location: 19q13.33.
Variant type: single nucleotide variant.
Coding change: c.1153G>A on transcript NM_004977.3 (MANE Select); coding-DNA position 1153, G replaced by A.
Protein change: p.Asp385Asn; replaces aspartic acid 385 with asparagine.
Molecular consequence: missense variant.
Genome position (GRCh38, 1-based): chr19:50,323,800, C>T on the plus strand (G>A on the coding strand, the complement: KCNC3 is on the minus strand). VCF-style: chr19-50323800-C-T. GRCh37 (hg19) VCF-style: chr19-50827057-C-T.
Other names: c.925G>A, p.Asp309Asn (NM_001372305.1); short protein forms D309N, D385N.
Identifiers: ClinVar variation 1806880 (VCV001806880.6), dbSNP rs778679027, ClinGen allele CA9594283.
Genomic context (GRCh38, chr19:50,323,800, plus strand): 5'-CCTTGGAGCTGAGGCCCGAGAGGCCCACCTCGAGATAGAAGGGCAGGATGGCCACACAGT[C>T]GATGATGTTGAGGCTGCTTTTAAGAAACTCCACCTTGTCTGGGCAGAAGGTGATGCGCAT-3'
Protein context (NP_004968.2, residues 375-395): EFLKSSLNII[Asp385Asn]CVAILPFYLE